The following is an entry in ClinVar:

ClinVar aggregate classification (germline): Uncertain significance (1 of 4 stars; one submission).

gnomAD v4.1: 4 of 1,606,152 alleles (0.00025%); highest among the groups gnomAD compares: Non-Finnish European, 0.00034%; no homozygotes.

Submission:

Labcorp Genetics (formerly Invitae), Labcorp
Classification: Uncertain significance. Last evaluated: 2025-08-15. Review status: criteria provided, single submitter. Criteria: Invitae Variant Classification Sherloc (09022015). Collection method: clinical testing. Allele origin: germline.
Comment: This sequence change replaces valine, which is neutral and non-polar, with leucine, which is neutral and non-polar, at codon 471 of the PHF21A protein (p.Val471Leu). This variant is present in population databases (no rsID available, gnomAD 0.0009%). This variant has not been reported in the literature in individuals affected with PHF21A-related conditions. ClinVar contains an entry for this variant (Variation ID: 2990278). An algorithm developed to predict the effect of missense changes on protein structure and function (PolyPhen-2) suggests that this variant is likely to be tolerated. In summary, the available evidence is currently insufficient to determine the role of this variant in disease. Therefore, it has been classified as a Variant of Uncertain Significance.

NM_001352027.3(PHF21A):c.1414G>C (p.Val472Leu)

Gene: PHF21A (PHD finger protein 21A; minus strand). Cytogenetic location: 11p11.2.
Variant type: single nucleotide variant.
Coding change: c.1414G>C on transcript NM_001352027.3 (MANE Select); coding-DNA position 1414, G replaced by C.
Protein change: p.Val472Leu; replaces valine 472 with leucine.
Molecular consequence: missense variant. On other transcripts: non-coding transcript variant (1), intron variant (6).
Genome position (GRCh38, 1-based): chr11:45,945,878, C>G on the plus strand (G>C on the coding strand, the complement: PHF21A is on the minus strand). VCF-style: chr11-45945878-C-G. GRCh37 (hg19) VCF-style: chr11-45967429-C-G.
Other names: c.1411G>C, p.Val471Leu (NM_001101802.3); c.1414G>C, p.Val472Leu (NM_001352025.3, NM_001352026.3); c.1308+198G>C (NM_001352030.3, NM_001352031.3, NM_001352032.3); c.1311+198G>C (NM_016621.5, NM_001352028.1, NM_001352029.1); short protein forms V471L, V472L.
Identifiers: ClinVar variation 2990278 (VCV002990278.3), dbSNP rs1201174209, ClinGen allele CA380258599.
Genomic context (GRCh38, chr11:45,945,878, plus strand): 5'-GTGCTTTTCCCAAGTTACTTACGTCTGTGGAGGTGGGGCTGGGCAGGGACACAGGCTGAA[C>G]AGGTGCAGGGAAAGTGAATGTGGTCTCTGTCTTTTCATTTTCAGGGGAGTCAGGATGACT-3'
Protein context (NP_001338956.1, residues 462-482): TETTFTFPAP[Val472Leu]QPVSLPSPTS